The following is an entry in ClinVar:

NM_001130438.3(SPTAN1):c.2688T>C (p.Phe896=)

Gene: SPTAN1 (spectrin alpha, non-erythrocytic 1; plus strand). Cytogenetic location: 9q34.11.
Variant type: single nucleotide variant.
Coding change: c.2688T>C on transcript NM_001130438.3 (MANE Select); coding-DNA position 2688, T replaced by C.
Protein change: p.Phe896=; no amino-acid change (phenylalanine 896 retained).
Molecular consequence: synonymous variant.
Genome position (GRCh38, 1-based): chr9:128,585,875, T>C. VCF-style: chr9-128585875-T-C. GRCh37 (hg19) VCF-style: chr9-131348154-T-C.
Other names: c.2688T>C, p.Phe896= (NM_001195532.2, NM_001363759.2, NM_001363765.2 and 1 more transcripts).
Identifiers: ClinVar variation 590053 (VCV000590053.56), dbSNP rs780858157, ClinGen allele CA5264697.

ClinVar aggregate classification (germline): Likely benign. Review status: criteria provided, multiple submitters, no conflicts (2 of 4 stars). 4 submissions from 4 submitters: Likely benign (4). Last evaluated 2026-06-01.

Conditions:
Early-infantile DEE. Also called: Early infantile epileptic encephalopathy; Ohtahara syndrome; Early infantile epileptic encephalopathy with suppression bursts. Identifiers: Orphanet 1934, MedGen C0393706, MONDO:0800491.
Inborn genetic diseases. Identifiers: MedGen C0950123, MeSH D030342.

Allele frequency attached by ClinVar (database versions not stated): gnomAD exomes 0.00001 and below 0.00001; gnomAD 0.00003 and 0.00004; TOPMed 0.00004; ExAC 0.00001.
gnomAD v4.1: 24 of 1,613,958 alleles (0.0015%); highest among the groups gnomAD compares: African/African-American, 0.016%; no homozygotes.

Submissions (4):

CeGaT Center for Human Genetics Tuebingen
Classification: Likely benign. Last evaluated: 2026-06-01. Review status: criteria provided, single submitter. Criteria: CeGaT Center For Human Genetics Tuebingen Variant Classification Criteria Version 2. Collection method: clinical testing. Allele origin: germline. Affected: yes. Observed: 1 variant allele.
Comment: SPTAN1: BP4, BP7

Labcorp Genetics (formerly Invitae), Labcorp
Classification: Likely benign for Early-infantile DEE. Last evaluated: 2026-02-03. Review status: criteria provided, single submitter. Criteria: Invitae Variant Classification Sherloc (09022015). Collection method: clinical testing. Allele origin: germline.

Blueprint Genetics
Classification: Likely benign. Last evaluated: 2024-02-29. Review status: criteria provided, single submitter. Criteria: ACMG Guidelines, 2015. Collection method: clinical testing. Allele origin: germline.

Ambry Genetics
Classification: Likely benign for Inborn genetic diseases. Last evaluated: 2017-01-26. Review status: criteria provided, single submitter. Criteria: Ambry Variant Classification Scheme 2023. Collection method: clinical testing. Allele origin: germline.